The following is an entry in ClinVar:

NM_182760.4(SUMF1):c.603-2del

Gene: SUMF1 (sulfatase modifying factor 1; minus strand). Cytogenetic location: 3p26.1.
Variant type: Deletion.
Coding change: c.603-2del on transcript NM_182760.4 (MANE Select); the canonical splice acceptor site of the intron before coding-DNA position 603, one base deleted (A; older notation c.603-2delA).
Molecular consequence: splice acceptor variant.
Genome position (GRCh38, 1-based): chr3:4,418,134, T deleted on the plus strand (A on the coding strand, the reverse complement: SUMF1 is on the minus strand). VCF-style (leftmost placement, unchanged base first): chr3-4418133-CT-C. GRCh37 (hg19) VCF-style: chr3-4459817-CT-C.
Other names: c.528-2del (NM_001164674.2); c.603-2del (NM_001164675.2, NM_182760.3).
Identifiers: ClinVar variation 1456019 (VCV001456019.9), dbSNP rs749832328, ClinGen allele CA2230523.

ClinVar aggregate classification (germline): Pathogenic/Likely pathogenic. Review status: criteria provided, multiple submitters, no conflicts (2 of 4 stars). 2 submissions from 2 submitters: Pathogenic (1); Likely pathogenic (1). Last evaluated 2025-12-05.

Conditions:
Multiple sulfatase deficiency (MSD). Also called: Mucosulfatidosis; Multiple Sulfatase Deficiency Disease; Sulfatidosis, Juvenile, Austin Type. Identifiers: Orphanet 585, MedGen C0268263, MONDO:0010088, OMIM 272200.

Allele frequency attached by ClinVar (database versions not stated): gnomAD exomes below 0.00001; ExAC 0.00001.

Submissions (2):

Natera, Inc.
Classification: Likely pathogenic for Multiple sulfatase deficiency. Last evaluated: 2025-12-05. Review status: criteria provided, single submitter. Criteria: Natera Variant Classification Schema (03/2026). Collection method: clinical testing. Allele origin: germline.
Comment: The c.603-2del variant in SUMF1 is a canonical splice acceptor site variant predicted to affect pre-mRNA splicing, which may result in an abnormal transcript and altered protein product. This variant is expected to result in nonsense mediated decay, truncation, or a dysfunctional protein product. This variant is rare in the general population with a frequency below the threshold expected for the associated phenotype(s). This variant has been observed in one or more individuals affected with the associated recessive disease, as either homozygous or compound heterozygous with a second variant (PMID: 15146462). Given the available evidence, this variant is classified as Likely Pathogenic.

Labcorp Genetics (formerly Invitae), Labcorp
Classification: Pathogenic for Multiple sulfatase deficiency. Last evaluated: 2021-05-17. Review status: criteria provided, single submitter. Criteria: Invitae Variant Classification Sherloc (09022015). Collection method: clinical testing. Allele origin: germline.
Comment: This variant has been observed in individual(s) with multiple sulfatase deficiency (PMID: 12757706, Invitae). The frequency data for this variant in the population databases is considered unreliable, as metrics indicate poor data quality at this position in the ExAC database. This sequence change affects a splice site in intron 4 of the SUMF1 gene. It is expected to disrupt RNA splicing. Variants that disrupt the donor or acceptor splice site typically lead to a loss of protein function (PMID: 16199547), and loss-of-function variants in SUMF1 are known to be pathogenic (PMID: 12757705, 12757706, 25885655). Algorithms developed to predict the effect of sequence changes on RNA splicing suggest that this variant may disrupt the consensus splice site, but this prediction has not been confirmed by published transcriptional studies. For these reasons, this variant has been classified as Pathogenic.

Literature cited by the submitters: PubMed 15146462 (cited by Natera, Inc.); PubMed 12757706 (cited by Labcorp Genetics (formerly Invitae), Labcorp); PubMed 16199547 (cited by Labcorp Genetics (formerly Invitae), Labcorp); PubMed 12757705 (cited by Labcorp Genetics (formerly Invitae), Labcorp); PubMed 25885655 (cited by Labcorp Genetics (formerly Invitae), Labcorp).